The following is an entry in ClinVar:

NM_021067.5(GINS1):c.522+3A>G

Gene: GINS1 (GINS complex subunit 1; plus strand). Cytogenetic location: 20p11.21.
Variant type: single nucleotide variant.
Coding change: c.522+3A>G on transcript NM_021067.5 (MANE Select); 3 bases into the intron after coding-DNA position 522, A replaced by G.
Molecular consequence: intron variant.
Genome position (GRCh38, 1-based): chr20:25,441,779, A>G. VCF-style: chr20-25441779-A-G. GRCh37 (hg19) VCF-style: chr20-25422415-A-G.
Identifiers: ClinVar variation 2183802 (VCV002183802.5), dbSNP rs769830918, ClinGen allele CA9796578.

ClinVar aggregate classification (germline): Uncertain significance. Review status: criteria provided, multiple submitters, no conflicts (2 of 4 stars). 2 submissions from 2 submitters: Uncertain significance (2). Last evaluated 2025-12-20.

Allele frequency attached by ClinVar (database versions not stated): ExAC 0.00002; gnomAD 0.00003; TOPMed 0.00004; gnomAD exomes 0.00008.
gnomAD v4.1: 104 of 1,412,208 alleles (0.0074%); highest among the groups gnomAD compares: Non-Finnish European, 0.0094%; no homozygotes.

Submissions (2):

Labcorp Genetics (formerly Invitae), Labcorp
Classification: Uncertain significance. Last evaluated: 2025-12-20. Review status: criteria provided, single submitter. Criteria: Invitae Variant Classification Sherloc (09022015). Collection method: clinical testing. Allele origin: germline.
Comment: This sequence change falls in intron 6 of the GINS1 gene. It does not directly change the encoded amino acid sequence of the GINS1 protein. It affects a nucleotide within the consensus splice site. This variant is present in population databases (rs769830918, gnomAD 0.006%). This variant has not been reported in the literature in individuals affected with GINS1-related conditions. ClinVar contains an entry for this variant (Variation ID: 2183802). Variants that disrupt the consensus splice site are a relatively common cause of aberrant splicing (PMID: 17576681, 9536098). Algorithms developed to predict the effect of sequence changes on RNA splicing suggest that this variant may disrupt the consensus splice site. In summary, the available evidence is currently insufficient to determine the role of this variant in disease. Therefore, it has been classified as a Variant of Uncertain Significance.

Blueprint Genetics
Classification: Uncertain significance. Last evaluated: 2024-05-15. Review status: criteria provided, single submitter. Criteria: ACMG Guidelines, 2015. Collection method: clinical testing. Allele origin: germline.

Literature cited by the submitters: PubMed 17576681 (cited by Labcorp Genetics (formerly Invitae), Labcorp); PubMed 9536098 (cited by Labcorp Genetics (formerly Invitae), Labcorp).